The following is an entry in ClinVar:

ClinVar aggregate classification (germline): Uncertain significance (1 of 4 stars; one submission).

Conditions:
Cystic fibrosis (CF). Also called: MUCOVISCIDOSIS. Identifiers: Orphanet 586, MedGen C0010674, MONDO:0009061, OMIM 219700. Disease mechanism: loss of function.

Submission:

Ambry Genetics
Classification: Uncertain significance for Cystic fibrosis. Last evaluated: 2023-12-15. Review status: criteria provided, single submitter. Criteria: Ambry Variant Classification Scheme 2023. Collection method: clinical testing. Allele origin: germline.
Comment: The p.Q1428H variant (also known as c.4284G>T), located in coding exon 27 of the CFTR gene, results from a G to T substitution at nucleotide position 4284. The glutamine at codon 1428 is replaced by histidine, an amino acid with highly similar properties. This amino acid position is conserved. In addition, the in silico prediction for this alteration is inconclusive. Since supporting evidence is limited at this time, the clinical significance of this alteration remains unclear.

NM_000492.4(CFTR):c.4284G>T (p.Gln1428His)

Genes: CFTR (CF transmembrane conductance regulator; plus strand), LOC111674477 (CFTR intron 23 enhancer; plus strand). Cytogenetic location: 7q31.2.
Variant type: single nucleotide variant.
Coding change: c.4284G>T on transcript NM_000492.4 (MANE Select); coding-DNA position 4284, G replaced by T.
Protein change: p.Gln1428His; replaces glutamine 1428 with histidine.
Molecular consequence: missense variant.
Genome position (GRCh38, 1-based): chr7:117,666,949, G>T. VCF-style: chr7-117666949-G-T. GRCh37 (hg19) VCF-style: chr7-117307003-G-T.
Other names: short protein forms Q1428H.
Identifiers: ClinVar variation 3231916 (VCV003231916.1), dbSNP rs2485185544, ClinGen allele CA368984572.
Genomic context (GRCh38, chr7:117,666,949, plus strand): 5'-CTAACAGCCATTTCCCTAGGTCATAGAAGAGAACAAAGTGCGGCAGTACGATTCCATCCA[G>T]AAACTGCTGAACGAGAGGAGCCTCTTCCGGCAAGCCATCAGCCCCTCCGACAGGGTGAAG-3'
Protein context (NP_000483.3, residues 1418-1438): ENKVRQYDSI[Gln1428His]KLLNERSLFR